The following is an entry in ClinVar:

ClinVar aggregate classification (germline): Uncertain significance (1 of 4 stars; one submission).

Conditions:
UTP4-related disorder. Also called: UTP4-related condition.

gnomAD v4.1: 44 of 1,614,218 alleles (0.0027%); highest among the groups gnomAD compares: African/African-American, 0.02%; no homozygotes.

Submission:

PreventionGenetics, part of Exact Sciences
Classification: Uncertain significance for UTP4-related condition. Last evaluated: 2026-07-28. Review status: criteria provided, single submitter. Criteria: ACMG Guidelines, 2015. Collection method: clinical testing. Allele origin: germline.
Comment: The UTP4 c.580C>T variant is predicted to result in the amino acid substitution p.Arg194Trp. To our knowledge, this variant has not been reported in the literature. This variant is reported in 0.032% of alleles in individuals of African descent in gnomAD. At this time, the clinical significance of this variant is uncertain due to the absence of conclusive functional and genetic evidence.

NM_032830.3(UTP4):c.580C>T (p.Arg194Trp)

Gene: UTP4 (UTP4 small subunit processome component). Cytogenetic location: 16q22.1.
Variant type: single nucleotide variant.
Coding change: c.580C>T on transcript NM_032830.3 (MANE Select); coding-DNA position 580, C replaced by T.
Protein change: p.Arg194Trp; replaces arginine 194 with tryptophan.
Molecular consequence: missense variant.
Genome position (GRCh38, 1-based): chr16:69,143,231, C>T. VCF-style: chr16-69143231-C-T. GRCh37 (hg19) VCF-style: chr16-69177134-C-T.
Other names: c.331C>T, p.Arg111Trp (NM_001318391.2); short protein forms R111W, R194W.
Identifiers: ClinVar variation 4978647 (VCV004978647.1).
Genomic context (GRCh38, chr16:69,143,231, plus strand): 5'-TTTTCAGGCAGCGCTGTTCATAAGATGATTGTGGACAGGCAGTATATGGGCGTGTCTAAG[C>T]GGAAGTGCATCGTGTGGGGTGTCGCCTTCTTGTCCGATGGCACTATCATAAGTGTGGACT-3'
Protein context (NP_116219.2, residues 184-204): VDRQYMGVSK[Arg194Trp]KCIVWGVAFL